The following is an entry in ClinVar:

NM_147127.5(EVC2):c.870G>A (p.Thr290=)

Gene: EVC2 (EvC ciliary complex subunit 2; minus strand). Cytogenetic location: 4p16.2.
Variant type: single nucleotide variant.
Coding change: c.870G>A on transcript NM_147127.5 (MANE Select); coding-DNA position 870, G replaced by A.
Protein change: p.Thr290=; no amino-acid change (threonine 290 retained).
Molecular consequence: synonymous variant.
Genome position (GRCh38, 1-based): chr4:5,681,260, C>T on the plus strand (G>A on the coding strand, the complement: EVC2 is on the minus strand). VCF-style: chr4-5681260-C-T. GRCh37 (hg19) VCF-style: chr4-5682987-C-T.
Other names: c.630G>A, p.Thr210= (NM_001166136.2).
Identifiers: ClinVar variation 3341004 (VCV003341004.2).
Genomic context (GRCh38, chr4:5,681,260, plus strand): 5'-GCAGGACCCACACAGCACAGGTGTGTCCTGAGGGTGCTCAGGGCATGTCATGTCTCTTAC[C>T]GTTACGTTTTCTTCTGCTGTTATGGAAAAAAGCACTTTCAGCTGTGTTCTGTTCTAGAAA-3'
Protein context (NP_667338.3, residues 280-300): LFSITAEENV[Thr290=]VLPHHGLHAA

ClinVar aggregate classification (germline): Uncertain significance. Review status: criteria provided, multiple submitters, no conflicts (2 of 4 stars). 2 submissions from 2 submitters: Uncertain significance (2). Last evaluated 2024-06-25.

gnomAD v4.1: 12 of 1,614,114 alleles (0.00074%); highest among the groups gnomAD compares: East Asian, 0.0022%; no homozygotes.

Submissions (2):

Blueprint Genetics
Classification: Uncertain significance. Last evaluated: 2024-06-25. Review status: criteria provided, single submitter. Criteria: ACMG Guidelines, 2015. Collection method: clinical testing. Allele origin: germline.

GeneDx
Classification: Uncertain significance. Last evaluated: 2023-12-26. Review status: criteria provided, single submitter. Criteria: GeneDx Variant Classification Process June 2021. Collection method: clinical testing. Allele origin: germline. Affected: yes.
Comment: Not observed at significant frequency in large population cohorts (gnomAD); In silico analysis supports a deleterious effect on splicing; Has not been previously published as pathogenic or benign to our knowledge